The following is an entry in ClinVar:

ClinVar aggregate classification (germline): Uncertain significance (1 of 4 stars; one submission).

Conditions:
Myopathy, proximal, and ophthalmoplegia (CMYO6). Also called: MYOPATHY WITH CONGENITAL JOINT CONTRACTURES, OPHTHALMOPLEGIA, AND RIMMED VACUOLES; CONGENITAL MYOPATHY 6 WITH OPHTHALMOPLEGIA; INCLUSION BODY MYOPATHY 3, AUTOSOMAL DOMINANT. Identifiers: Orphanet 363677, Orphanet 79091, MedGen C1854106, MONDO:0011577, OMIM 605637.

gnomAD v4.1: 40 of 1,613,960 alleles (0.0025%); highest among the groups gnomAD compares: South Asian, 0.043%; 2 homozygotes.

Submission:

Labcorp Genetics (formerly Invitae), Labcorp
Classification: Uncertain significance for Myopathy, proximal, and ophthalmoplegia. Last evaluated: 2024-11-18. Review status: criteria provided, single submitter. Criteria: Invitae Variant Classification Sherloc (09022015). Collection method: clinical testing. Allele origin: germline.
Comment: This sequence change falls in intron 13 of the MYH2 gene. It does not directly change the encoded amino acid sequence of the MYH2 protein. It affects a nucleotide within the consensus splice site. This variant is present in population databases (rs758217131, gnomAD 0.03%), including at least one homozygous and/or hemizygous individual. This variant has not been reported in the literature in individuals affected with MYH2-related conditions. ClinVar contains an entry for this variant (Variation ID: 653319). Variants that disrupt the consensus splice site are a relatively common cause of aberrant splicing (PMID: 17576681, 9536098). Algorithms developed to predict the effect of sequence changes on RNA splicing suggest that this variant is not likely to affect RNA splicing. In summary, the available evidence is currently insufficient to determine the role of this variant in disease. Therefore, it has been classified as a Variant of Uncertain Significance.

Literature cited by the submitters: PubMed 17576681; PubMed 9536098.

NM_017534.6(MYH2):c.1266+5G>C

Genes: MYH2 (myosin heavy chain 2; minus strand), MYHAS (myosin heavy chain gene cluster antisense RNA; plus strand). Cytogenetic location: 17p13.1.
Variant type: single nucleotide variant.
Coding change: c.1266+5G>C on transcript NM_017534.6 (MANE Select); 5 bases into the intron after coding-DNA position 1266, G replaced by C.
Molecular consequence: intron variant.
Genome position (GRCh38, 1-based): chr17:10,539,439, C>G on the plus strand (G>C on the coding strand, the complement: MYH2 is on the minus strand). VCF-style: chr17-10539439-C-G. GRCh37 (hg19) VCF-style: chr17-10442756-C-G.
Other names: c.1266+5G>C (NM_001100112.2).
Identifiers: ClinVar variation 653319 (VCV000653319.6), dbSNP rs758217131, ClinGen allele CA8391415.
Genomic context (GRCh38, chr17:10,539,439, plus strand): 5'-CGAAGTTATTAAAGGCCTATGAAAATGCTTTCATCCCTGGCAGTTAATTTGAATTATGCA[C>G]CTACCTGTTCTACAGTCTGGCCTTTGGTGACATACTCATTGCCGACCTTGACCCTGGGGT-3'